The following is an entry in ClinVar:

ClinVar aggregate classification (germline): Pathogenic/Likely pathogenic. Review status: criteria provided, multiple submitters, no conflicts (2 of 4 stars). 2 submissions from 2 submitters: Pathogenic (1); Likely pathogenic (1). Last evaluated 2026-09-01.

Conditions:
Neutral lipid storage myopathy (NLSDM). Also called: NEUTRAL LIPID STORAGE DISEASE WITHOUT ICHTHYOSIS. Identifiers: Orphanet 98908, MedGen C1853136, MONDO:0012545, OMIM 610717.

Submissions (2):

CeGaT Center for Human Genetics Tuebingen
Classification: Pathogenic. Last evaluated: 2026-09-01. Review status: criteria provided, single submitter. Criteria: CeGaT Center For Human Genetics Tuebingen Variant Classification Criteria Version 2. Collection method: clinical testing. Allele origin: germline. Affected: yes. Observed: 1 variant allele.
Comment: PNPLA2: PVS1, PM2

Victorian Clinical Genetics Services, Murdoch Childrens Research Institute
Classification: Likely pathogenic for Neutral lipid storage myopathy. Last evaluated: 2023-07-17. Review status: criteria provided, single submitter. Criteria: ACMG Guidelines, 2015. Collection method: clinical testing. Allele origin: germline. Inheritance: Autosomal recessive inheritance. Affected: yes.
Comment: Based on the classification scheme VCGS_Germline_v1.3.4, this variant is classified as Likely pathogenic. Following criteria are met: 0102 - Loss of function is a known mechanism of disease in this gene and is associated with neutral lipid storage disease with myopathy (MIM#610717). (I) 0106 - This gene is associated with autosomal recessive disease. (I) 0204 - Variant is predicted to result in a truncated protein (premature termination codon is located within the first 102 nucleotides of the coding sequence and is predicted to escape nonsense-mediated decay). (SP) 0252 - This variant is homozygous. (I) 0301 - Variant is absent from gnomAD (both v2 and v3). (SP) 0600 - Variant partially truncates the patatin-like phospholipase domain (DECIPHER). (I) 0704 - Another 5' NMD escape variant comparable to the one identified in this case has limited previous evidence for pathogenicity. p.(Trp8*) has been observed in a compound heterozygous state in two siblings with neutral lipid storage disease with myopathy (PMID: 22990388). (SP) 0807 - This variant has no previous evidence of pathogenicity. (I) 0905 - No published segregation evidence has been identified for this variant. (I) 1007 - No published functional evidence has been identified for this variant. (I) 1101 - Very strong and specific phenotype match for this individual. (SP) 1208 - Inheritance information for this variant is not currently available in this individual. (I) Legend: (SP) - Supporting pathogenic, (I) - Information, (SB) - Supporting benign

Literature cited by the submitters: PubMed 22990388 (cited by Victorian Clinical Genetics Services, Murdoch Childrens Research Institute).

NM_020376.4(PNPLA2):c.91G>T (p.Glu31Ter)

Genes: PNPLA2 (patatin like domain 2, triacylglycerol lipase; plus strand), LOC130005097 (ATAC-STARR-seq lymphoblastoid silent region 3036; plus strand). Cytogenetic location: 11p15.5.
Variant type: single nucleotide variant.
Coding change: c.91G>T on transcript NM_020376.4 (MANE Select); coding-DNA position 91, G replaced by T.
Protein change: p.Glu31Ter; replaces glutamic acid 31 with a stop codon.
Molecular consequence: nonsense.
Genome position (GRCh38, 1-based): chr11:819,809, G>T. VCF-style: chr11-819809-G-T. GRCh37 (hg19) VCF-style: chr11-819809-G-T.
Other names: short protein forms E31*.
Identifiers: ClinVar variation 3254636 (VCV003254636.2), dbSNP rs2495548120.